The following is an entry in ClinVar:

NM_005751.5(AKAP9):c.6442A>G (p.Lys2148Glu)

Gene: AKAP9 (A-kinase anchoring protein 9; plus strand). Cytogenetic location: 7q21.2.
Variant type: single nucleotide variant.
Coding change: c.6442A>G on transcript NM_005751.5 (MANE Select); coding-DNA position 6442, A replaced by G.
Protein change: p.Lys2148Glu; replaces lysine 2148 with glutamic acid.
Molecular consequence: missense variant.
Genome position (GRCh38, 1-based): chr7:92,070,141, A>G. VCF-style: chr7-92070141-A-G. GRCh37 (hg19) VCF-style: chr7-91699455-A-G.
Other names: c.6442A>G, p.Lys2148Glu (NM_147185.3); c.1087A>G, p.Lys363Glu (NM_001379277.1); short protein forms K363E, K2148E.
Identifiers: ClinVar variation 3641386 (VCV003641386.2).

ClinVar aggregate classification (germline): Uncertain significance (1 of 4 stars; one submission).

Conditions:
Long QT syndrome (LQTS). Identifiers: MedGen C0023976, MeSH D008133, MONDO:0002442. Disease mechanism: loss of function. Inheritance: Various modes of inheritance.

Submission:

Labcorp Genetics (formerly Invitae), Labcorp
Classification: Uncertain significance for Long QT syndrome. Last evaluated: 2024-03-04. Review status: criteria provided, single submitter. Criteria: Invitae Variant Classification Sherloc (09022015). Collection method: clinical testing. Allele origin: germline.
Comment: This sequence change replaces lysine, which is basic and polar, with glutamic acid, which is acidic and polar, at codon 2148 of the AKAP9 protein (p.Lys2148Glu). This variant is not present in population databases (gnomAD no frequency). This variant has not been reported in the literature in individuals affected with AKAP9-related conditions. An algorithm developed to predict the effect of missense changes on protein structure and function (PolyPhen-2) suggests that this variant is likely to be disruptive. In summary, the available evidence is currently insufficient to determine the role of this variant in disease. Therefore, it has been classified as a Variant of Uncertain Significance.